The following is an entry in ClinVar:

ClinVar aggregate classification (germline): Uncertain significance. Review status: criteria provided, multiple submitters, no conflicts (2 of 4 stars). 2 submissions from 2 submitters: Uncertain significance (2). Last evaluated 2023-12-28.

Allele frequency attached by ClinVar (database versions not stated): 1000 Genomes Project 30x 0.00016; 1000 Genomes Project 0.00020.
gnomAD v4.1: 29 of 1,612,042 alleles (0.0018%); highest among the groups gnomAD compares: Admixed American, 0.03%; no homozygotes.

Submissions (2):

Ambry Genetics
Classification: Uncertain significance. Last evaluated: 2023-12-28. Review status: criteria provided, single submitter. Criteria: Ambry Variant Classification Scheme 2023. Collection method: clinical testing. Allele origin: germline.

Labcorp Genetics (formerly Invitae), Labcorp
Classification: Uncertain significance. Last evaluated: 2023-03-14. Review status: criteria provided, single submitter. Criteria: Invitae Variant Classification Sherloc (09022015). Collection method: clinical testing. Allele origin: germline.
Comment: In summary, the available evidence is currently insufficient to determine the role of this variant in disease. Therefore, it has been classified as a Variant of Uncertain Significance. Advanced modeling of protein sequence and biophysical properties (such as structural, functional, and spatial information, amino acid conservation, physicochemical variation, residue mobility, and thermodynamic stability) performed at Invitae indicates that this missense variant is not expected to disrupt CBX2 protein function. ClinVar contains an entry for this variant (Variation ID: 2077716). This variant has not been reported in the literature in individuals affected with CBX2-related conditions. This variant is present in population databases (rs200044396, gnomAD 0.03%). This sequence change replaces glycine, which is neutral and non-polar, with aspartic acid, which is acidic and polar, at codon 332 of the CBX2 protein (p.Gly332Asp).

NM_005189.3(CBX2):c.995G>A (p.Gly332Asp)

Gene: CBX2 (chromobox 2; plus strand). Cytogenetic location: 17q25.3.
Variant type: single nucleotide variant.
Coding change: c.995G>A on transcript NM_005189.3 (MANE Select); coding-DNA position 995, G replaced by A.
Protein change: p.Gly332Asp; replaces glycine 332 with aspartic acid.
Molecular consequence: missense variant.
Genome position (GRCh38, 1-based): chr17:79,784,438, G>A. VCF-style: chr17-79784438-G-A. GRCh37 (hg19) VCF-style: chr17-77758237-G-A.
Other names: c.995G>A (NM_005189.2); short protein forms G332D.
Identifiers: ClinVar variation 2077716 (VCV002077716.5), dbSNP rs200044396, ClinGen allele CA8811390.